The following is an entry in ClinVar:

ClinVar aggregate classification (germline): Likely benign (1 of 4 stars; one submission).

Allele frequency attached by ClinVar (database versions not stated): 1000 Genomes Project 0.00280; 1000 Genomes Project 30x 0.00281; TOPMed 0.00647; gnomAD 0.00864.
gnomAD v4.1: 1,117 of 152,276 alleles (0.73%); highest among the groups gnomAD compares: Non-Finnish European, 1.2%; 3 homozygotes.

Submission:

GeneDx
Classification: Likely benign. Last evaluated: 2018-06-19. Review status: criteria provided, single submitter. Criteria: GeneDx Variant Classification (06012015). Collection method: clinical testing. Allele origin: germline. Affected: yes.
Comment: This variant is considered likely benign or benign based on one or more of the following criteria: it is a conservative change, it occurs at a poorly conserved position in the protein, it is predicted to be benign by multiple in silico algorithms, and/or has population frequency not consistent with disease.

NM_000742.4(CHRNA2):c.74-346C>T

Gene: CHRNA2 (cholinergic receptor nicotinic alpha 2 subunit; minus strand). Cytogenetic location: 8p21.2.
Variant type: single nucleotide variant.
Coding change: c.74-346C>T on transcript NM_000742.4 (MANE Select); 346 bases into the intron before coding-DNA position 74, C replaced by T.
Molecular consequence: intron variant.
Genome position (GRCh38, 1-based): chr8:27,470,327, G>A on the plus strand (C>T on the coding strand, the complement: CHRNA2 is on the minus strand). VCF-style: chr8-27470327-G-A. GRCh37 (hg19) VCF-style: chr8-27327844-G-A.
Other names: c.-354-346C>T (NM_001347705.2); c.74-346C>T (NM_001282455.2); c.-388-346C>T (NM_001347708.2); c.-399-346C>T (NM_001347706.2); c.-340-346C>T (NM_001347707.2).
Identifiers: ClinVar variation 674005 (VCV000674005.1), dbSNP rs180982173, ClinGen allele CA174248211.